The following is an entry in ClinVar:

ClinVar aggregate classification (germline): Uncertain significance (1 of 4 stars; one submission).

Conditions:
Hypertrophic cardiomyopathy 19. Also called: Familial hypertrophic cardiomyopathy 19. Identifiers: MedGen CN077603, MONDO:0013476.

Allele frequency attached by ClinVar (database versions not stated): gnomAD exomes below 0.00001 and 0.00001.
gnomAD v4.1: 21 of 1,613,926 alleles (0.0013%); highest among the groups gnomAD compares: Non-Finnish European, 0.0017%; no homozygotes.

Submission:

Labcorp Genetics (formerly Invitae), Labcorp
Classification: Uncertain significance for Hypertrophic cardiomyopathy 19. Last evaluated: 2021-07-16. Review status: criteria provided, single submitter. Criteria: Invitae Variant Classification Sherloc (09022015). Collection method: clinical testing. Allele origin: germline.
Comment: In summary, the available evidence is currently insufficient to determine the role of this variant in disease. Therefore, it has been classified as a Variant of Uncertain Significance. This variant has not been reported in the literature in individuals with CALR3-related conditions. This variant is not present in population databases (ExAC no frequency). This sequence change creates a premature translational stop signal (p.Trp243*) in the CALR3 gene. It is expected to result in an absent or disrupted protein product. However, the current clinical and genetic evidence is not sufficient to establish whether loss-of-function variants in CALR3 cause disease.

NM_145046.5(CALR3):c.728G>A (p.Trp243Ter)

Gene: CALR3 (calreticulin 3; minus strand). Cytogenetic location: 19p13.11.
Variant type: single nucleotide variant.
Coding change: c.728G>A on transcript NM_145046.5 (MANE Select); coding-DNA position 728, G replaced by A.
Protein change: p.Trp243Ter; replaces tryptophan 243 with a stop codon.
Molecular consequence: nonsense.
Genome position (GRCh38, 1-based): chr19:16,482,736, C>T on the plus strand (G>A on the coding strand, the complement: CALR3 is on the minus strand). VCF-style: chr19-16482736-C-T. GRCh37 (hg19) VCF-style: chr19-16593547-C-T.
Other names: short protein forms W243*.
Identifiers: ClinVar variation 1481634 (VCV001481634.6), dbSNP rs1167634332, ClinGen allele CA404608304.